The following is an entry in ClinVar:

ClinVar aggregate classification (germline): Uncertain significance. Review status: criteria provided, multiple submitters, no conflicts (2 of 4 stars). 2 submissions from 2 submitters: Uncertain significance (2). Last evaluated 2025-10-10.

Conditions:
Inborn genetic diseases. Identifiers: MedGen C0950123, MeSH D030342.

Submissions (2):

Labcorp Genetics (formerly Invitae), Labcorp
Classification: Uncertain significance. Last evaluated: 2025-10-10. Review status: criteria provided, single submitter. Criteria: Invitae Variant Classification Sherloc (09022015). Collection method: clinical testing. Allele origin: germline.
Comment: This sequence change replaces proline, which is neutral and non-polar, with serine, which is neutral and polar, at codon 747 of the NEFH protein (p.Pro747Ser). This variant is present in population databases (no rsID available, gnomAD 0.0009%). This variant has not been reported in the literature in individuals affected with NEFH-related conditions. ClinVar contains an entry for this variant (Variation ID: 3714119). Invitae Evidence Modeling of protein sequence and biophysical properties (such as structural, functional, and spatial information, amino acid conservation, physicochemical variation, residue mobility, and thermodynamic stability) indicates that this missense variant is not expected to disrupt NEFH protein function with a negative predictive value of 95%. In summary, the available evidence is currently insufficient to determine the role of this variant in disease. Therefore, it has been classified as a Variant of Uncertain Significance.

Ambry Genetics
Classification: Uncertain significance for Inborn genetic diseases. Last evaluated: 2025-08-29. Review status: criteria provided, single submitter. Criteria: Ambry Variant Classification Scheme 2023. Collection method: clinical testing. Allele origin: germline.

NM_021076.4(NEFH):c.2239C>T (p.Pro747Ser)

Gene: NEFH (neurofilament heavy chain; plus strand). Cytogenetic location: 22q12.2.
Variant type: single nucleotide variant.
Coding change: c.2239C>T on transcript NM_021076.4 (MANE Select); coding-DNA position 2239, C replaced by T.
Protein change: p.Pro747Ser; replaces proline 747 with serine.
Molecular consequence: missense variant.
Genome position (GRCh38, 1-based): chr22:29,489,879, C>T. VCF-style: chr22-29489879-C-T. GRCh37 (hg19) VCF-style: chr22-29885868-C-T.
Other names: c.2239C>T (NM_021076.3); short protein forms P747S.
Identifiers: ClinVar variation 3714119 (VCV003714119.3).
Genomic context (GRCh38, chr22:29,489,879, plus strand): 5'-AAGGAAGAAGCAAAGACCCCCGAGAAGGCCAAGTCCCCAGTGAAGGAAGAAGCTAAGTCC[C>T]CAGAGAAGGCCAAGTCCCCAGAGAAGGCCAAGACTCTTGATGTGAAGTCTCCAGAAGCCA-3'
Protein context (NP_066554.2, residues 737-757): KSPVKEEAKS[Pro747Ser]EKAKSPEKAK